The following is an entry in ClinVar:

ClinVar aggregate classification (germline): Uncertain significance (1 of 4 stars; one submission).

Conditions:
Idiopathic generalized epilepsy. Also called: EIG; Generalised epilepsy. Identifiers: MedGen C0270850, MONDO:0005579, OMIM 600669.
Hyperaldosteronism, familial, type IV (HALD4). Also called: FH IV; ALDOSTERONISM, PRIMARY, AND HYPERTENSION. Identifiers: Orphanet 642671, MedGen C4310756, MONDO:0014875, OMIM 617027.

gnomAD v4.1: 18 of 1,612,402 alleles (0.0011%); highest among the groups gnomAD compares: Admixed American, 0.0067%; no homozygotes.

Submission:

Labcorp Genetics (formerly Invitae), Labcorp
Classification: Uncertain significance for Idiopathic generalized epilepsy; Hyperaldosteronism, familial, type IV. Last evaluated: 2026-01-06. Review status: criteria provided, single submitter. Criteria: Invitae Variant Classification Sherloc (09022015). Collection method: clinical testing. Allele origin: germline.
Comment: This sequence change falls in intron 4 of the CACNA1H gene. It does not directly change the encoded amino acid sequence of the CACNA1H protein. It affects a nucleotide within the consensus splice site. This variant is present in population databases (rs775863287, gnomAD 0.009%). This variant has not been reported in the literature in individuals affected with CACNA1H-related conditions. Variants that disrupt the consensus splice site are a relatively common cause of aberrant splicing (PMID: 17576681, 9536098). Algorithms developed to predict the effect of sequence changes on RNA splicing suggest that this variant is not likely to affect RNA splicing. In summary, the available evidence is currently insufficient to determine the role of this variant in disease. Therefore, it has been classified as a Variant of Uncertain Significance.

Literature cited by the submitters: PubMed 17576681; PubMed 9536098.

NM_021098.3(CACNA1H):c.546-3C>T

Gene: CACNA1H (calcium voltage-gated channel subunit alpha1 H; plus strand). Cytogenetic location: 16p13.3.
Variant type: single nucleotide variant.
Coding change: c.546-3C>T on transcript NM_021098.3 (MANE Select); 3 bases into the intron before coding-DNA position 546, C replaced by T.
Molecular consequence: intron variant.
Genome position (GRCh38, 1-based): chr16:1,195,923, C>T. VCF-style: chr16-1195923-C-T. GRCh37 (hg19) VCF-style: chr16-1245923-C-T.
Other names: c.546-3C>T (NM_001005407.2).
Identifiers: ClinVar variation 4784086 (VCV004784086.1).